The following is an entry in ClinVar:

ClinVar aggregate classification (germline): Conflicting classifications of pathogenicity. Review status: criteria provided, conflicting classifications (1 of 4 stars). 6 submissions from 6 submitters: Likely pathogenic (1); Uncertain significance (5). Last evaluated 2025-04-09.

Conditions:
Spinocerebellar ataxia type 23 (SCA23). Identifiers: Orphanet 101108, MedGen C1853250, MONDO:0012449, OMIM 610245.

Submissions (6):

Mayo Clinic Laboratories, Mayo Clinic
Classification: Uncertain significance. Last evaluated: 2025-04-09. Review status: criteria provided, single submitter. Criteria: ACMG Guidelines, 2015. Collection method: clinical testing. Allele origin: germline. Observed: 1 variant allele.

Labcorp Genetics (formerly Invitae), Labcorp
Classification: Likely pathogenic. Last evaluated: 2024-07-22. Review status: criteria provided, single submitter. Criteria: Invitae Variant Classification Sherloc (09022015). Collection method: clinical testing. Allele origin: germline.
Comment: This sequence change creates a premature translational stop signal (p.Trp220Glyfs*33) in the PDYN gene. While this is not anticipated to result in nonsense mediated decay, it is expected to disrupt the last 35 amino acid(s) of the PDYN protein. This variant is present in population databases (rs748307861, gnomAD 0.01%). This premature translational stop signal has been observed in individuals with PDYN-related conditions (PMID: 23471613, 27528516). ClinVar contains an entry for this variant (Variation ID: 211896). Studies have shown that this premature translational stop signal alters PDYN gene expression (PMID: 23471613). In summary, the currently available evidence indicates that the variant is pathogenic, but additional data are needed to prove that conclusively. Therefore, this variant has been classified as Likely Pathogenic.

Mendelics
Classification: Uncertain significance for Spinocerebellar ataxia type 23. Last evaluated: 2019-05-28. Review status: criteria provided, single submitter. Criteria: Mendelics Assertion Criteria 2017. Collection method: clinical testing. Allele origin: unknown.

Athena Diagnostics
Classification: Uncertain significance. Last evaluated: 2018-03-26. Review status: criteria provided, single submitter. Criteria: Athena Diagnostics Criteria. Collection method: clinical testing. Allele origin: germline.

Baylor Genetics
Classification: Uncertain significance for Spinocerebellar ataxia type 23. Last evaluated: 2018-01-13. Review status: criteria provided, single submitter. Criteria: ACMG Guidelines, 2015. Collection method: clinical testing. Allele origin: maternal. Affected: yes.
Comment: This variant was determined to be of uncertain significance according to ACMG Guidelines, 2015 [PMID:25741868].

Genetic Services Laboratory, University of Chicago
Classification: Uncertain significance. Last evaluated: 2015-05-26. Review status: criteria provided, single submitter. Criteria: ACMG Guidelines, 2015. Collection method: clinical testing. Allele origin: germline.

Literature cited by the submitters: PubMed 23471613 (cited by 3 submitters); PubMed 27528516 (cited by 3 submitters); PubMed 33175256 (cited by Mayo Clinic Laboratories, Mayo Clinic).

NM_024411.5(PDYN):c.658_659del (p.Trp220fs)

Genes: PDYN (prodynorphin; minus strand), PDYN-AS1 (PDYN antisense RNA 1; plus strand). Cytogenetic location: 20p13.
Variant type: Deletion.
Coding change: c.658_659del on transcript NM_024411.5 (MANE Select); coding-DNA positions 658 to 659, 2 bases deleted (TG; older notation c.658_659delTG).
Protein change: p.Trp220fs; shifts the reading frame from tryptophan 220.
Molecular consequence: frameshift variant.
Genome position (GRCh38, 1-based): chr20:1,980,429-1,980,430, CA deleted on the plus strand (TG on the coding strand, the reverse complement: PDYN is on the minus strand); deleting any 2 consecutive bases within chr20:1,980,429-1,980,431 gives the same sequence; the c. name uses the placement nearest the transcript's 3' end. VCF-style (leftmost placement, unchanged base first): chr20-1980428-CCA-C. GRCh37 (hg19) VCF-style: chr20-1961074-CCA-C.
Other names: p.Trp220Glyfs*33; c.658_659del, p.Trp220fs (NM_001190892.1, NM_001190898.3, NM_001190899.2 and 1 more transcripts); c.658_659delTG (NM_024411.4); short protein forms W220fs.
Identifiers: ClinVar variation 211896 (VCV000211896.15), dbSNP rs748307861, ClinGen allele CA214810.
Genomic context (GRCh38, chr20:1,980,428, plus strand): 5'-AGACCGAGTCACCACCTTGAACTGGCGCCGGAGAAAACCGCCATAGCGCTTCTGGTTGTC[CCA>C]CTTGAGCTTGGGACGAATGCGCCGCAAGAAGCCCCCATAGCGTTTGTACAGGTCCTCATG-3'